The following is an entry in ClinVar:

ClinVar aggregate classification (germline): Uncertain significance. Review status: criteria provided, multiple submitters, no conflicts (2 of 4 stars). 2 submissions from 2 submitters: Uncertain significance (2). Last evaluated 2024-12-30.

Allele frequency attached by ClinVar (database versions not stated): ExAC 0.00001; gnomAD exomes 0.00001 and 0.00003; gnomAD 0.00002; TOPMed 0.00003.

Submissions (2):

GeneDx
Classification: Uncertain significance. Last evaluated: 2024-12-30. Review status: criteria provided, single submitter. Criteria: GeneDx Variant Classification Process June 2021. Collection method: clinical testing. Allele origin: germline. Affected: yes.
Comment: In silico analysis indicates that this missense variant does not alter protein structure/function; Has not been previously published as pathogenic or benign to our knowledge

Labcorp Genetics (formerly Invitae), Labcorp
Classification: Uncertain significance. Last evaluated: 2021-08-24. Review status: criteria provided, single submitter. Criteria: Invitae Variant Classification Sherloc (09022015). Collection method: clinical testing. Allele origin: germline.
Comment: This sequence change replaces methionine with isoleucine at codon 291 of the RUSC2 protein (p.Met291Ile). The methionine residue is highly conserved and there is a small physicochemical difference between methionine and isoleucine. This variant is present in population databases (rs750570481, ExAC 0.009%). This variant has not been reported in the literature in individuals affected with RUSC2-related conditions. Algorithms developed to predict the effect of missense changes on protein structure and function are either unavailable or do not agree on the potential impact of this missense change (SIFT: "Deleterious"; PolyPhen-2: "Benign"; Align-GVGD: "Class C0"). In summary, the available evidence is currently insufficient to determine the role of this variant in disease. Therefore, it has been classified as a Variant of Uncertain Significance.

NM_014806.5(RUSC2):c.873G>T (p.Met291Ile)

Gene: RUSC2 (RUN and SH3 domain containing 2; plus strand). Cytogenetic location: 9p13.3.
Variant type: single nucleotide variant.
Coding change: c.873G>T on transcript NM_014806.5 (MANE Select); coding-DNA position 873, G replaced by T.
Protein change: p.Met291Ile; replaces methionine 291 with isoleucine.
Molecular consequence: missense variant. On other transcripts: non-coding transcript variant (1), intron variant (1).
Genome position (GRCh38, 1-based): chr9:35,547,394, G>T. VCF-style: chr9-35547394-G-T. GRCh37 (hg19) VCF-style: chr9-35547391-G-T.
Other names: c.873G>T, p.Met291Ile (NM_001135999.2); c.-620-7666G>T (NM_001330740.2); c.873G>T (NM_001135999.1); short protein forms M291I.
Identifiers: ClinVar variation 1419021 (VCV001419021.6), dbSNP rs750570481, ClinGen allele CA5043547.